The following is an entry in ClinVar:

ClinVar aggregate classification (germline): Uncertain significance (1 of 4 stars; one submission).

Submission:

Labcorp Genetics (formerly Invitae), Labcorp
Classification: Uncertain significance. Last evaluated: 2025-05-21. Review status: criteria provided, single submitter. Criteria: Invitae Variant Classification Sherloc (09022015). Collection method: clinical testing. Allele origin: germline.
Comment: This sequence change replaces methionine, which is neutral and non-polar, with isoleucine, which is neutral and non-polar, at codon 1996 of the CACNA1E protein (p.Met1996Ile). This variant is not present in population databases (gnomAD no frequency). This variant has not been reported in the literature in individuals affected with CACNA1E-related conditions. Invitae Evidence Modeling of protein sequence and biophysical properties (such as structural, functional, and spatial information, amino acid conservation, physicochemical variation, residue mobility, and thermodynamic stability) indicates that this missense variant is not expected to disrupt CACNA1E protein function with a negative predictive value of 95%. In summary, the available evidence is currently insufficient to determine the role of this variant in disease. Therefore, it has been classified as a Variant of Uncertain Significance.

NM_001205293.3(CACNA1E):c.6117G>A (p.Met2039Ile)

Gene: CACNA1E (calcium voltage-gated channel subunit alpha1 E; plus strand). Cytogenetic location: 1q25.3.
Variant type: single nucleotide variant.
Coding change: c.6117G>A on transcript NM_001205293.3 (MANE Select); coding-DNA position 6117, G replaced by A.
Protein change: p.Met2039Ile; replaces methionine 2039 with isoleucine.
Molecular consequence: missense variant.
Genome position (GRCh38, 1-based): chr1:181,794,953, G>A. VCF-style: chr1-181794953-G-A. GRCh37 (hg19) VCF-style: chr1-181764089-G-A.
Other names: c.5988G>A, p.Met1996Ile (NM_000721.4); c.5931G>A, p.Met1977Ile (NM_001205294.2); short protein forms M1977I, M1996I, M2039I.
Identifiers: ClinVar variation 4800008 (VCV004800008.1), dbSNP rs267598219.